The following is an entry in ClinVar:

ClinVar aggregate classification (germline): Uncertain significance (1 of 4 stars; one submission).

Conditions:
Epidermolysis bullosa simplex with nail dystrophy (EBS5D). Identifiers: MedGen C4225309, MONDO:0014661, OMIM 616487.
Epidermolysis bullosa simplex 5B, with muscular dystrophy (EBS5B). Also called: EPIDERMOLYSIS BULLOSA SIMPLEX AND LIMB-GIRDLE MUSCULAR DYSTROPHY; Epidermolysis bullosa simplex with muscular dystrophy. Identifiers: Orphanet 257, MedGen C2931072, MONDO:0009181, OMIM 226670.
Epidermolysis bullosa simplex, Ogna type (EBS5A). Also called: Pidermolysis bullosa simplex 5A, Ogna type; EPIDERMOLYSIS BULLOSA SIMPLEX 5A, OGNA TYPE. Identifiers: Orphanet 79401, MedGen C0432317, MONDO:0007555, OMIM 131950.
Autosomal recessive limb-girdle muscular dystrophy type 2Q (LGMDR17). Also called: MUSCULAR DYSTROPHY, LIMB-GIRDLE, AUTOSOMAL RECESSIVE 17. Identifiers: Orphanet 254361, MedGen C3150989, MONDO:0013390, OMIM 613723.
Epidermolysis bullosa simplex 5C, with pyloric atresia (EBS5C). Also called: Epidermolysis bullosa simplex with pyloric atresia; PLEC-Related Epidermolysis Bullosa with Pyloric Atresia; PLEC1-Related Epidermolysis Bullosa with Pyloric Atresia. Identifiers: Orphanet 158684, MedGen C2677349, MONDO:0012807, OMIM 612138.

Allele frequency attached by ClinVar (database versions not stated): gnomAD 0.00001.
gnomAD v4.1: 18 of 1,611,148 alleles (0.0011%); highest among the groups gnomAD compares: Non-Finnish European, 0.0015%; no homozygotes.

Submission:

Labcorp Genetics (formerly Invitae), Labcorp
Classification: Uncertain significance for Autosomal recessive limb-girdle muscular dystrophy type 2Q; Epidermolysis bullosa simplex, Ogna type; Epidermolysis bullosa simplex with nail dystrophy; Epidermolysis bullosa simplex 5C, with pyloric atresia; Epidermolysis bullosa simplex 5B, with muscular dystrophy. Last evaluated: 2022-11-08. Review status: criteria provided, single submitter. Criteria: Invitae Variant Classification Sherloc (09022015). Collection method: clinical testing. Allele origin: germline.
Comment: In summary, the available evidence is currently insufficient to determine the role of this variant in disease. Therefore, it has been classified as a Variant of Uncertain Significance. Algorithms developed to predict the effect of missense changes on protein structure and function (SIFT, PolyPhen-2, Align-GVGD) all suggest that this variant is likely to be disruptive. This variant has not been reported in the literature in individuals affected with PLEC-related conditions. This variant is present in population databases (rs373272207, gnomAD 0.004%). This sequence change replaces aspartic acid, which is acidic and polar, with histidine, which is basic and polar, at codon 3621 of the PLEC protein (p.Asp3621His).

NM_201384.3(PLEC):c.10780G>C (p.Asp3594His)

Gene: PLEC (plectin; minus strand). Cytogenetic location: 8q24.3.
Variant type: single nucleotide variant.
Coding change: c.10780G>C on transcript NM_201384.3 (MANE Select); coding-DNA position 10780, G replaced by C.
Protein change: p.Asp3594His; replaces aspartic acid 3594 with histidine.
Molecular consequence: missense variant.
Genome position (GRCh38, 1-based): chr8:143,919,041, C>G on the plus strand (G>C on the coding strand, the complement: PLEC is on the minus strand). VCF-style: chr8-143919041-C-G. GRCh37 (hg19) VCF-style: chr8-144993209-C-G.
Other names: c.10861G>C, p.Asp3621His (NM_000445.5); c.7480G>C, p.Asp2494His (NM_001410941.1); c.10738G>C, p.Asp3580His (NM_201378.4); c.10714G>C, p.Asp3572His (NM_201379.3); c.11191G>C, p.Asp3731His (NM_201380.4); c.10684G>C, p.Asp3562His (NM_201381.3); c.10780G>C, p.Asp3594His (NM_201382.4); c.10792G>C, p.Asp3598His (NM_201383.3); short protein forms D3580H, D3594H, D3621H, D3562H, D3598H, D2494H, D3572H, D3731H.
Identifiers: ClinVar variation 2152634 (VCV002152634.4), dbSNP rs373272207, ClinGen allele CA4924535.